The following is an entry in ClinVar:

ClinVar aggregate classification (germline): Uncertain significance. Review status: criteria provided, multiple submitters, no conflicts (2 of 4 stars). 3 submissions from 3 submitters: Uncertain significance (3). Last evaluated 2025-02-19.

Conditions:
Hereditary cancer-predisposing syndrome. Also called: Neoplastic Syndromes, Hereditary; Hereditary neoplastic syndrome; Tumor predisposition; Hereditary Cancer Syndrome. Identifiers: Orphanet 140162, MedGen C0027672, MeSH D009386, MONDO:0015356.
EGFR-related lung cancer (EGFR). Identifiers: MedGen CN130014.

Submissions (3):

Ambry Genetics
Classification: Uncertain significance for Hereditary cancer-predisposing syndrome. Last evaluated: 2025-02-19. Review status: criteria provided, single submitter. Criteria: Ambry Variant Classification Scheme 2023. Collection method: clinical testing. Allele origin: germline.
Comment: The p.N700S variant (also known as c.2099A>G), located in coding exon 18 of the EGFR gene, results from an A to G substitution at nucleotide position 2099. The asparagine at codon 700 is replaced by serine, an amino acid with highly similar properties. This amino acid position is highly conserved in available vertebrate species. In addition, this alteration is predicted to be tolerated by in silico analysis. Based on the available evidence, the clinical significance of this variant remains unclear.

Blueprint Genetics
Classification: Uncertain significance. Last evaluated: 2023-08-02. Review status: criteria provided, single submitter. Criteria: ACMG Guidelines, 2015. Collection method: clinical testing. Allele origin: germline.

Labcorp Genetics (formerly Invitae), Labcorp
Classification: Uncertain significance for EGFR-related lung cancer. Last evaluated: 2022-08-05. Review status: criteria provided, single submitter. Criteria: Invitae Variant Classification Sherloc (09022015). Collection method: clinical testing. Allele origin: germline.
Comment: In summary, the available evidence is currently insufficient to determine the role of this variant in disease. Therefore, it has been classified as a Variant of Uncertain Significance. Algorithms developed to predict the effect of missense changes on protein structure and function are either unavailable or do not agree on the potential impact of this missense change (SIFT: "Deleterious"; PolyPhen-2: "Benign"; Align-GVGD: "Class C0"). This variant has not been reported in the literature in individuals affected with EGFR-related conditions. This variant is not present in population databases (gnomAD no frequency). This sequence change replaces asparagine, which is neutral and polar, with serine, which is neutral and polar, at codon 700 of the EGFR protein (p.Asn700Ser).

NM_005228.5(EGFR):c.2099A>G (p.Asn700Ser)

Gene: EGFR (epidermal growth factor receptor; plus strand). Cytogenetic location: 7p11.2.
Variant type: single nucleotide variant.
Coding change: c.2099A>G on transcript NM_005228.5 (MANE Select); coding-DNA position 2099, A replaced by G.
Protein change: p.Asn700Ser; replaces asparagine 700 with serine.
Molecular consequence: missense variant.
Genome position (GRCh38, 1-based): chr7:55,173,958, A>G. VCF-style: chr7-55173958-A-G. GRCh37 (hg19) VCF-style: chr7-55241651-A-G.
Other names: c.1964A>G, p.Asn655Ser (NM_001346897.2, NM_001346899.2); c.2099A>G, p.Asn700Ser (NM_001346898.2); c.1940A>G, p.Asn647Ser (NM_001346900.2); c.1298A>G, p.Asn433Ser (NM_001346941.2); short protein forms N433S, N655S, N700S, N647S.
Identifiers: ClinVar variation 2089182 (VCV002089182.6), dbSNP rs2534724712, ClinGen allele CA367583502.